The following is an entry in ClinVar:

NM_006231.4(POLE):c.1879G>A (p.Val627Met)

Gene: POLE (DNA polymerase epsilon, catalytic subunit; minus strand). Cytogenetic location: 12q24.33.
Variant type: single nucleotide variant.
Coding change: c.1879G>A on transcript NM_006231.4 (MANE Select); coding-DNA position 1879, G replaced by A.
Protein change: p.Val627Met; replaces valine 627 with methionine.
Molecular consequence: missense variant.
Genome position (GRCh38, 1-based): chr12:132,668,855, C>T on the plus strand (G>A on the coding strand, the complement: POLE is on the minus strand). VCF-style: chr12-132668855-C-T. GRCh37 (hg19) VCF-style: chr12-133245441-C-T.
Other names: c.1879G>A (NM_006231.2); short protein forms V627M.
Identifiers: ClinVar variation 540638 (VCV000540638.9), dbSNP rs747929590, ClinGen allele CA387355362.

ClinVar aggregate classification (germline): Uncertain significance. Review status: criteria provided, multiple submitters, no conflicts (2 of 4 stars). 2 submissions from 2 submitters: Uncertain significance (2). Last evaluated 2024-11-27.

Allele frequency attached by ClinVar (database versions not stated): gnomAD 0.00003.
gnomAD v4.1: 1 of 1,614,128 alleles (0.000062%); highest among the groups gnomAD compares: Non-Finnish European, 0.000085%; no homozygotes.

Submissions (2):

Labcorp Genetics (formerly Invitae), Labcorp
Classification: Uncertain significance. Last evaluated: 2024-11-27. Review status: criteria provided, single submitter. Criteria: Invitae Variant Classification Sherloc (09022015). Collection method: clinical testing. Allele origin: germline.
Comment: This sequence change replaces valine, which is neutral and non-polar, with methionine, which is neutral and non-polar, at codon 627 of the POLE protein (p.Val627Met). This variant is present in population databases (no rsID available, gnomAD 0.0008%). This variant has not been reported in the literature in individuals affected with POLE-related conditions. ClinVar contains an entry for this variant (Variation ID: 540638). Invitae Evidence Modeling of protein sequence and biophysical properties (such as structural, functional, and spatial information, amino acid conservation, physicochemical variation, residue mobility, and thermodynamic stability) indicates that this missense variant is expected to disrupt POLE protein function with a positive predictive value of 80%. In summary, the available evidence is currently insufficient to determine the role of this variant in disease. Therefore, it has been classified as a Variant of Uncertain Significance.

GeneDx
Classification: Uncertain significance. Last evaluated: 2019-07-22. Review status: criteria provided, single submitter. Criteria: GeneDx Variant Classification Process June 2021. Collection method: clinical testing. Allele origin: germline. Affected: yes.
Comment: Not observed at a significant frequency in large population cohorts (Lek et al., 2016); In silico analysis, which includes protein predictors and evolutionary conservation, supports a deleterious effect; Has not been previously published as pathogenic or benign to our knowledge